The following is an entry in ClinVar:

ClinVar aggregate classification (germline): Conflicting classifications of pathogenicity. Review status: criteria provided, conflicting classifications (1 of 4 stars). 9 submissions from 9 submitters: Uncertain significance (6); Likely benign (2). 1 of the submissions does not count toward it. Last evaluated 2025-12-29.

Conditions:
Hereditary cancer-predisposing syndrome. Also called: Tumor predisposition; Neoplastic Syndromes, Hereditary; Hereditary Cancer Syndrome; Hereditary neoplastic syndrome. Identifiers: Orphanet 140162, MedGen C0027672, MeSH D009386, MONDO:0015356.
Hereditary breast ovarian cancer syndrome. Also called: Hereditary breast and ovarian cancer; Hereditary breast and ovarian cancer syndrome (HBOC); BRCA1- and BRCA2-Associated Hereditary Breast and Ovarian Cancer; Breast and ovarian cancer; Hereditary breast and ovarian cancer syndrome; Hereditary breast and/or ovarian cancer syndrome. Identifiers: Orphanet 145, MedGen C0677776, MeSH D061325, MONDO:0003582. Disease mechanism: loss of function.
Breast-ovarian cancer, familial, susceptibility to, 2 (BROVCA2). Also called: BRCA2 Hereditary Breast and Ovarian Cancer. Identifiers: Orphanet 145, MedGen C2675520, MONDO:0012933, OMIM 612555. Disease mechanism: loss of function.

Allele frequency attached by ClinVar (database versions not stated): gnomAD exomes 0.00002 and 0.00003; ExAC 0.00005.

Submissions (9):

Center for Genomic Medicine, Rigshospitalet, Copenhagen University Hospital
Classification: Likely benign. Last evaluated: 2025-12-29. Review status: criteria provided, single submitter. Criteria: ACMG Guidelines, 2015. Collection method: clinical testing. Allele origin: germline.
Comment: Classification criteria: BP1_strong

Labcorp Genetics (formerly Invitae), Labcorp
Classification: Uncertain significance for Hereditary breast ovarian cancer syndrome. Last evaluated: 2025-07-06. Review status: criteria provided, single submitter. Criteria: Invitae Variant Classification Sherloc (09022015). Collection method: clinical testing. Allele origin: germline.
Comment: This sequence change replaces lysine, which is basic and polar, with asparagine, which is neutral and polar, at codon 601 of the BRCA2 protein (p.Lys601Asn). This variant is present in population databases (rs768106492, gnomAD 0.006%). This missense change has been observed in individual(s) with BRCA2-related conditions (PMID: 27449771). ClinVar contains an entry for this variant (Variation ID: 491210). Invitae Evidence Modeling of protein sequence and biophysical properties (such as structural, functional, and spatial information, amino acid conservation, physicochemical variation, residue mobility, and thermodynamic stability) indicates that this missense variant is not expected to disrupt BRCA2 protein function with a negative predictive value of 95%. In summary, the available evidence is currently insufficient to determine the role of this variant in disease. Therefore, it has been classified as a Variant of Uncertain Significance.

Women's Health and Genetics/Laboratory Corporation of America, LabCorp
Classification: Uncertain significance. Last evaluated: 2024-03-28. Review status: criteria provided, single submitter. Criteria: LabCorp Variant Classification Summary - May 2015. Collection method: clinical testing. Allele origin: germline.
Comment: Variant summary: BRCA2 c.1803A>C (p.Lys601Asn) results in a non-conservative amino acid change in the encoded protein sequence. Three of five in-silico tools predict a benign effect of the variant on protein function. The variant allele was found at a frequency of 2.9e-05 in 241228 control chromosomes. The available data on variant occurrences in the general population are insufficient to allow any conclusion about variant significance. c.1803A>C has been reported in the literature in at-least one individual within a cohort with pancreatic cancer without germline CDKN2A variants (example, Yang_2016). These report(s) do not provide unequivocal conclusions about association of the variant with Hereditary Breast And Ovarian Cancer Syndrome. To our knowledge, no experimental evidence demonstrating an impact on protein function has been reported. ClinVar contains an entry for this variant (Variation ID: 491210). Based on the evidence outlined above, the variant was classified as uncertain significance.

Clinical Genetics Laboratory, Skane University Hospital Lund
Classification: Uncertain significance. Last evaluated: 2023-08-21. Review status: criteria provided, single submitter. Criteria: ACMG Guidelines, 2015. Collection method: clinical testing. Allele origin: germline. Affected: yes.

University of Washington Department of Laboratory Medicine, University of Washington
Classification: Likely benign for Hereditary cancer-predisposing syndrome. Last evaluated: 2023-03-23. Review status: criteria provided, single submitter. Criteria: Dines et al. (Genet Med. 2020). Collection method: curation. Allele origin: germline.
Comment: Missense variant in a coldspot region where missense variants are very unlikely to be pathogenic (PMID:31911673).

BRCA2 exon 10 coldspot. Reclassification based on statistical prior probability.

Color Diagnostics, LLC DBA Color Health
Classification: Uncertain significance for Hereditary cancer-predisposing syndrome. Last evaluated: 2022-05-10. Review status: criteria provided, single submitter. Criteria: ACMG Guidelines, 2015. Collection method: clinical testing. Allele origin: germline.
Comment: This missense variant replaces lysine with asparagine at codon 601 of the BRCA2 protein. Computational prediction suggests that this variant may not impact protein structure and function (internally defined REVEL score threshold <= 0.5, PMID: 27666373). To our knowledge, functional studies have not been reported for this variant. This variant has been detected in a breast cancer case-control meta-analysis in 0/60466 cases and 6/53461 unaffected individuals (PMID: 33471991; Leiden Open Variation Database DB-ID BRCA2_003057). This variant has been identified in 7/241228 chromosomes in the general population by the Genome Aggregation Database (gnomAD). The available evidence is insufficient to determine the role of this variant in disease conclusively. Therefore, this variant is classified as a Variant of Uncertain Significance.

Ambry Genetics
Classification: Uncertain significance for Hereditary cancer-predisposing syndrome. Last evaluated: 2022-03-23. Review status: criteria provided, single submitter. Criteria: Ambry Variant Classification Scheme 2023. Collection method: clinical testing. Allele origin: germline.
Comment: The p.K601N variant (also known as c.1803A>C), located in coding exon 9 of the BRCA2 gene, results from an A to C substitution at nucleotide position 1803. The lysine at codon 601 is replaced by asparagine, an amino acid with similar properties. This alteration was identified in a cohort of pancreatic cancer patients undergoing whole exome sequencing (Yang XR et al. Hum Genet, 2016 Nov;135:1241-1249). This amino acid position is poorly conserved in available vertebrate species. In addition, this alteration is predicted to be tolerated by in silico analysis. Since supporting evidence is limited at this time, the clinical significance of this alteration remains unclear.

GeneDx
Classification: Uncertain significance. Last evaluated: 2019-10-11. Review status: criteria provided, single submitter. Criteria: GeneDx Variant Classification Process June 2021. Collection method: clinical testing. Allele origin: germline. Affected: yes.
Comment: Not observed at a significant frequency in large population cohorts (Lek 2016); In silico analysis, which includes protein predictors and evolutionary conservation, supports that this variant does not alter protein structure/function; Has not been previously published as pathogenic or benign to our knowledge; Also known as BRCA2 2031A>C

BRCAlab, Lund University
Classification: Uncertain significance for Breast-ovarian cancer, familial, susceptibility to, 2. Last evaluated: 2020-03-02. Review status: no assertion criteria provided. Collection method: clinical testing. Allele origin: germline. Affected: yes. Not counted in ClinVar's aggregate classification.

Literature cited by the submitters: PubMed 27449771 (cited by 3 submitters); PubMed 33471991 (cited by Color Diagnostics, LLC DBA Color Health).

NM_000059.4(BRCA2):c.1803A>C (p.Lys601Asn)

Gene: BRCA2 (BRCA2 DNA repair associated; plus strand). Cytogenetic location: 13q13.1.
Variant type: single nucleotide variant.
Coding change: c.1803A>C on transcript NM_000059.4 (MANE Select); coding-DNA position 1803, A replaced by C.
Protein change: p.Lys601Asn; replaces lysine 601 with asparagine.
Molecular consequence: missense variant.
Genome position (GRCh38, 1-based): chr13:32,333,281, A>C. VCF-style: chr13-32333281-A-C. GRCh37 (hg19) VCF-style: chr13-32907418-A-C.
Other names: short protein forms K601N.
Identifiers: ClinVar variation 491210 (VCV000491210.24), dbSNP rs768106492, ClinGen allele CA6940542.